The following is an entry in ClinVar:

ClinVar aggregate classification (germline): Uncertain significance. Review status: criteria provided, multiple submitters, no conflicts (2 of 4 stars). 4 submissions from 4 submitters: Uncertain significance (4). Last evaluated 2025-12-27.

Conditions:
LZTR1-related schwannomatosis. Also called: Schwannomatosis 2; Schwannomatosis-2, susceptibility to. Identifiers: Orphanet 93921, MedGen C3810283, MONDO:0014299, OMIM 615670.
Noonan syndrome 2 (NS2). Identifiers: Orphanet 648, MedGen C1854469, MONDO:0011531, OMIM 605275.
Noonan syndrome 10 (NS10). Identifiers: Orphanet 648, MedGen C4225280, MONDO:0014693, OMIM 616564.
Hereditary cancer-predisposing syndrome. Also called: Hereditary neoplastic syndrome; Tumor predisposition; Neoplastic Syndromes, Hereditary; Hereditary Cancer Syndrome. Identifiers: Orphanet 140162, MedGen C0027672, MeSH D009386, MONDO:0015356.
Cardiovascular phenotype. Identifiers: MedGen CN230736.

gnomAD v4.1: 7 of 1,613,460 alleles (0.00043%); highest among the groups gnomAD compares: South Asian, 0.0033%; no homozygotes.

Submissions (4):

Labcorp Genetics (formerly Invitae), Labcorp
Classification: Uncertain significance. Last evaluated: 2025-12-27. Review status: criteria provided, single submitter. Criteria: Invitae Variant Classification Sherloc (09022015). Collection method: clinical testing. Allele origin: germline.
Comment: This sequence change replaces leucine, which is neutral and non-polar, with proline, which is neutral and non-polar, at codon 724 of the LZTR1 protein (p.Leu724Pro). This variant is present in population databases (rs766095536, gnomAD 0.003%). This missense change has been observed in individual(s) with clinical features of LZTR1-related condtions (PMID: 31573083). ClinVar contains an entry for this variant (Variation ID: 452620). Invitae Evidence Modeling of protein sequence and biophysical properties (such as structural, functional, and spatial information, amino acid conservation, physicochemical variation, residue mobility, and thermodynamic stability) indicates that this missense variant is not expected to disrupt LZTR1 protein function with a negative predictive value of 80%. In summary, the available evidence is currently insufficient to determine the role of this variant in disease. Therefore, it has been classified as a Variant of Uncertain Significance.

GeneDx
Classification: Uncertain significance. Last evaluated: 2024-04-16. Review status: criteria provided, single submitter. Criteria: GeneDx Variant Classification Process June 2021. Collection method: clinical testing. Allele origin: germline. Affected: yes.
Comment: Not observed at significant frequency in large population cohorts (gnomAD); In silico analysis supports that this missense variant has a deleterious effect on protein structure/function; Observed in an individual with a clinical suspicion of RASopathy (PMID: 31573083); This variant is associated with the following publications: (PMID: 31573083)

Ambry Genetics
Classification: Uncertain significance for Cardiovascular phenotype; Hereditary cancer-predisposing syndrome. Last evaluated: 2023-04-10. Review status: criteria provided, single submitter. Criteria: Ambry Variant Classification Scheme 2023. Collection method: clinical testing. Allele origin: germline.
Comment: The p.L724P variant (also known as c.2171T>C), located in coding exon 18 of the LZTR1 gene, results from a T to C substitution at nucleotide position 2171. The leucine at codon 724 is replaced by proline, an amino acid with similar properties. This amino acid position is highly conserved in available vertebrate species. In addition, this alteration is predicted to be deleterious by in silico analysis. Since supporting evidence is limited at this time, the clinical significance of this alteration remains unclear.

Juno Genomics, Hangzhou Juno Genomics, Inc
Classification: Uncertain significance for LZTR1-related schwannomatosis; Noonan syndrome 10; Noonan syndrome 2. Review status: criteria provided, single submitter. Criteria: ACMG Guidelines, 2015. Collection method: clinical testing. Allele origin: germline.
Comment: Absent from controls (or at extremely low frequency if recessive) in Genome Aggregation Database.;Multiple lines of computational evidence support a deleterious effect on the gene or gene product.

Literature cited by the submitters: PubMed 31573083 (cited by Labcorp Genetics (formerly Invitae), Labcorp).

NM_006767.4(LZTR1):c.2171T>C (p.Leu724Pro)

Gene: LZTR1 (leucine zipper like post translational regulator 1; plus strand). Cytogenetic location: 22q11.21.
Variant type: single nucleotide variant.
Coding change: c.2171T>C on transcript NM_006767.4 (MANE Select); coding-DNA position 2171, T replaced by C.
Protein change: p.Leu724Pro; replaces leucine 724 with proline.
Molecular consequence: missense variant.
Genome position (GRCh38, 1-based): chr22:20,996,064, T>C. VCF-style: chr22-20996064-T-C. GRCh37 (hg19) VCF-style: chr22-21350353-T-C.
Other names: short protein forms L724P.
Identifiers: ClinVar variation 452620 (VCV000452620.9), dbSNP rs766095536, ClinGen allele CA10119262.